The following is an entry in ClinVar:

NM_198253.3(TERT):c.2646C>G (p.Thr882=)

Gene: TERT (telomerase reverse transcriptase; minus strand). Cytogenetic location: 5p15.33.
Variant type: single nucleotide variant.
Coding change: c.2646C>G on transcript NM_198253.3 (MANE Select); coding-DNA position 2646, C replaced by G.
Protein change: p.Thr882=; no amino-acid change (threonine 882 retained).
Molecular consequence: synonymous variant. On other transcripts: non-coding transcript variant (2).
Genome position (GRCh38, 1-based): chr5:1,266,472, G>C on the plus strand (C>G on the coding strand, the complement: TERT is on the minus strand). VCF-style: chr5-1266472-G-C. GRCh37 (hg19) VCF-style: chr5-1266587-G-C.
Other names: c.2646C>G, p.Thr882= (NM_001193376.3, NM_003219.1).
Identifiers: ClinVar variation 1794251 (VCV001794251.3), dbSNP rs758561541, ClinGen allele CA443021902.

ClinVar aggregate classification (germline): Conflicting classifications of pathogenicity. Review status: criteria provided, conflicting classifications (1 of 4 stars). 2 submissions from 2 submitters: Uncertain significance (1); Likely benign (1). Last evaluated 2023-10-18.

Conditions:
Dyskeratosis congenita. Identifiers: Orphanet 1775, MedGen C0265965, MONDO:0015780.

gnomAD v4.1: 1 of 1,609,038 alleles (0.000062%); highest among the groups gnomAD compares: Non-Finnish European, 0.000085%; no homozygotes.

Submissions (2):

GeneDx
Classification: Uncertain significance. Last evaluated: 2023-10-18. Review status: criteria provided, single submitter. Criteria: GeneDx Variant Classification Process June 2021. Collection method: clinical testing. Allele origin: germline. Affected: yes.
Comment: Has not been previously published as pathogenic or benign to our knowledge; Not observed at significant frequency in large population cohorts (gnomAD); In silico analysis supports that this variant does not alter splicing

Ambry Genetics
Classification: Likely benign for Dyskeratosis congenita. Last evaluated: 2021-08-26. Review status: criteria provided, single submitter. Criteria: Ambry Variant Classification Scheme 2023. Collection method: clinical testing. Allele origin: germline.